The following is an entry in ClinVar:

NM_198578.4(LRRK2):c.5597G>C (p.Arg1866Thr)

Gene: LRRK2 (leucine rich repeat kinase 2; plus strand). Cytogenetic location: 12q12.
Variant type: single nucleotide variant.
Coding change: c.5597G>C on transcript NM_198578.4 (MANE Select); coding-DNA position 5597, G replaced by C.
Protein change: p.Arg1866Thr; replaces arginine 1866 with threonine.
Molecular consequence: missense variant.
Genome position (GRCh38, 1-based): chr12:40,323,247, G>C. VCF-style: chr12-40323247-G-C. GRCh37 (hg19) VCF-style: chr12-40717049-G-C.
Other names: short protein forms R1866T.
Identifiers: ClinVar variation 3229703 (VCV003229703.1), dbSNP rs2499889111, ClinGen allele CA384421131.

ClinVar aggregate classification (germline): Uncertain significance (1 of 4 stars; one submission).

Conditions:
Inborn genetic diseases. Identifiers: MedGen C0950123, MeSH D030342.

Submission:

Ambry Genetics
Classification: Uncertain significance for Inborn genetic diseases. Last evaluated: 2024-01-06. Review status: criteria provided, single submitter. Criteria: Ambry Variant Classification Scheme 2023. Collection method: clinical testing. Allele origin: germline.
Comment: The p.R1866T variant (also known as c.5597G>C), located in coding exon 38 of the LRRK2 gene, results from a G to C substitution at nucleotide position 5597. The arginine at codon 1866 is replaced by threonine, an amino acid with similar properties. This amino acid position is conserved. In addition, the in silico prediction for this alteration is inconclusive. Since supporting evidence is limited at this time, the clinical significance of this alteration remains unclear.